The following is an entry in ClinVar:

NM_004341.5(CAD):c.5253+3G>C

Gene: CAD (carbamoyl-phosphate synthetase 2, aspartate transcarbamylase, and dihydroorotase; plus strand). Cytogenetic location: 2p23.3.
Variant type: single nucleotide variant.
Coding change: c.5253+3G>C on transcript NM_004341.5 (MANE Select); 3 bases into the intron after coding-DNA position 5253, G replaced by C.
Molecular consequence: intron variant.
Genome position (GRCh38, 1-based): chr2:27,239,235, G>C. VCF-style: chr2-27239235-G-C. GRCh37 (hg19) VCF-style: chr2-27462103-G-C.
Other names: c.5064+3G>C (NM_001306079.2).
Identifiers: ClinVar variation 1363163 (VCV001363163.5), dbSNP rs3739093, ClinGen allele CA1573786.

ClinVar aggregate classification (germline): Uncertain significance. Review status: criteria provided, multiple submitters, no conflicts (2 of 4 stars). 2 submissions from 2 submitters: Uncertain significance (2). Last evaluated 2025-04-14.

Allele frequency attached by ClinVar (database versions not stated): TOPMed 0.00002; gnomAD exomes 0.00006; ExAC 0.00008; 1000 Genomes Project 30x 0.00016; gnomAD 0.00001 and 0.00003; 1000 Genomes Project 0.00020.
gnomAD v4.1: 123 of 1,603,198 alleles (0.0077%); highest among the groups gnomAD compares: East Asian, 0.28%; no homozygotes.

Submissions (2):

Women's Health and Genetics/Laboratory Corporation of America, LabCorp
Classification: Uncertain significance. Last evaluated: 2025-04-14. Review status: criteria provided, single submitter. Criteria: LabCorp Variant Classification Summary - May 2015. Collection method: clinical testing. Allele origin: germline.

Labcorp Genetics (formerly Invitae), Labcorp
Classification: Uncertain significance. Last evaluated: 2021-09-02. Review status: criteria provided, single submitter. Criteria: Invitae Variant Classification Sherloc (09022015). Collection method: clinical testing. Allele origin: germline.
Comment: This sequence change falls in intron 32 of the CAD gene. It does not directly change the encoded amino acid sequence of the CAD protein. It affects a nucleotide within the consensus splice site of the intron. This variant is present in population databases (rs3739093, ExAC 0.1%). This variant has not been reported in the literature in individuals affected with CAD-related conditions. Variants that disrupt the consensus splice site are a relatively common cause of aberrant splicing (PMID: 17576681, 9536098). Algorithms developed to predict the effect of sequence changes on RNA splicing suggest that this variant may disrupt the consensus splice site. In summary, the available evidence is currently insufficient to determine the role of this variant in disease. Therefore, it has been classified as a Variant of Uncertain Significance.

Literature cited by the submitters: PubMed 17576681 (cited by Labcorp Genetics (formerly Invitae), Labcorp); PubMed 9536098 (cited by Labcorp Genetics (formerly Invitae), Labcorp).